The following is an entry in ClinVar:

ClinVar aggregate classification (germline): Uncertain significance (1 of 4 stars; one submission).

Submission:

GeneDx
Classification: Uncertain significance. Last evaluated: 2014-07-28. Review status: criteria provided, single submitter. Criteria: GeneDx Variant Classification (06012015). Collection method: clinical testing. Allele origin: germline. Affected: yes.
Comment: c.557_558delinsCG: p.Asp186Ala (D186A) in exon 6 of the CHRNA2 gene (NM_000742.3). The normal sequence with the bases that are deleted in braces followed by the inserted bases in brackets is: ATCG{AC}[CG]GTCA. A variant of unknown significance has been identified in the CHRNA2 gene. The c.557_558delinsCG variant has not been published as a mutation, nor has it been reported as a benign polymorphism to our knowledge. It was not observed in approximately 6,500 individuals of European and African American ancestry in the NHLBI Exome Sequencing Project, indicating it is not a common benign variant in these populations. The c.557_558delinsCG variant results in an in-frame deletion of a single Aspartic acid residue and the insertion of a single Alanine residue, denoted p.D186A, that is not expected to result in protein truncation or nonsense-mediated mRNA decay. However, this variant is a non-conservative amino acid substitution, which is likely to impact secondary protein structure as these residues differ in polarity, charge, size and/or other properties. This substitution occurs at a position that is highly conserved across species. Additionally, in silico analysis predicts this variant is probably damaging to the protein structure/function. Therefore, based on the currently available information, it is unclear whether this variant is a pathogenic mutation or a rare benign variant. The variant is found in EPILEPSY panel(s).

NM_000742.4(CHRNA2):c.557_558delinsCG (p.Asp186Ala)

Gene: CHRNA2 (cholinergic receptor nicotinic alpha 2 subunit; minus strand). Cytogenetic location: 8p21.2.
Variant type: Indel.
Coding change: c.557_558delinsCG on transcript NM_000742.4 (MANE Select); coding-DNA positions 557 to 558, AC replaced by CG.
Protein change: p.Asp186Ala; replaces aspartic acid 186 with alanine.
Molecular consequence: missense variant. On other transcripts: intron variant (2).
Genome position (GRCh38, 1-based): chr8:27,463,885-27,463,886, GT replaced by CG on the plus strand (AC replaced by CG on the coding strand, the reverse complement: CHRNA2 is on the minus strand). VCF-style: chr8-27463885-GT-CG. GRCh37 (hg19) VCF-style: chr8-27321402-GT-CG.
Other names: p.D186A:GAC>GCG; c.512_513delinsCG, p.Asp171Ala (NM_001282455.2); c.80_81delinsCG, p.Asp27Ala (NM_001347705.2, NM_001347706.2); c.-12-26_-12-25delinsCG (NM_001347708.2); c.-9-29_-9-28delinsCG (NM_001347707.2); short protein forms D186A, D27A, D171A.
Identifiers: ClinVar variation 204984 (VCV000204984.1), dbSNP rs796052308, ClinGen allele CA313490.